The following is an entry in ClinVar:

ClinVar aggregate classification (germline): Benign (3 of 4 stars; one submission).

Conditions:
Breast-ovarian cancer, familial, susceptibility to, 2 (BROVCA2). Also called: BRCA2 Hereditary Breast and Ovarian Cancer. Identifiers: Orphanet 145, MedGen C2675520, MONDO:0012933, OMIM 612555. Disease mechanism: loss of function.

Allele frequency attached by ClinVar (database versions not stated): gnomAD 0.00146 and 0.00193; TOPMed 0.00203; 1000 Genomes Project 30x 0.00843; 1000 Genomes Project 0.00958.

Submission:

Evidence-based Network for the Interpretation of Germline Mutant Alleles (ENIGMA)
Classification: Benign for Breast-ovarian cancer, familial 2. Last evaluated: 2015-01-12. Review status: reviewed by expert panel. Criteria: ENIGMA BRCA1/2 Classification Criteria (2015). Collection method: curation. Allele origin: germline.
Comment: Class 1 not pathogenic based on frequency >1% in an outbred sampleset. Frequency 0.04021 (Asian), derived from 1000 genomes (2012-04-30).

NM_000059.4(BRCA2):c.9257-4327C>T

Gene: BRCA2 (BRCA2 DNA repair associated; plus strand). Cytogenetic location: 13q13.1.
Variant type: single nucleotide variant.
Coding change: c.9257-4327C>T on transcript NM_000059.4 (MANE Select); 4327 bases into the intron before coding-DNA position 9257, C replaced by T.
Molecular consequence: intron variant.
Genome position (GRCh38, 1-based): chr13:32,390,362, C>T. VCF-style: chr13-32390362-C-T. GRCh37 (hg19) VCF-style: chr13-32964499-C-T.
Other names: IVS 24-4327C>T.
Identifiers: ClinVar variation 209890 (VCV000209890.1), dbSNP rs147800399, ClinGen allele CA276858.